The following is an entry in ClinVar:

ClinVar aggregate classification (germline): Uncertain significance. Review status: criteria provided, multiple submitters, no conflicts (2 of 4 stars). 2 submissions from 2 submitters: Uncertain significance (2). Last evaluated 2024-06-10.

Conditions:
Koolen-de Vries syndrome (KDVS). Identifiers: Orphanet 96169, MedGen C1864871, MONDO:0012496, OMIM 610443.

Submissions (2):

Labcorp Genetics (formerly Invitae), Labcorp
Classification: Uncertain significance for Koolen-de Vries syndrome. Last evaluated: 2024-06-10. Review status: criteria provided, single submitter. Criteria: Invitae Variant Classification Sherloc (09022015). Collection method: clinical testing. Allele origin: germline.
Comment: This variant, c.2487_2489del, results in the deletion of 1 amino acid(s) of the KANSL1 protein (p.Ser830del), but otherwise preserves the integrity of the reading frame. This variant is present in population databases (no rsID available, gnomAD 0.0009%). This variant has not been reported in the literature in individuals affected with KANSL1-related conditions. ClinVar contains an entry for this variant (Variation ID: 851267). Experimental studies and prediction algorithms are not available or were not evaluated, and the functional significance of this variant is currently unknown. In summary, the available evidence is currently insufficient to determine the role of this variant in disease. Therefore, it has been classified as a Variant of Uncertain Significance.

Fulgent Genetics
Classification: Uncertain significance for Koolen-de Vries syndrome. Last evaluated: 2024-04-01. Review status: criteria provided, single submitter. Criteria: ACMG Guidelines, 2015. Collection method: clinical testing. Allele origin: germline.

NM_015443.4(KANSL1):c.2484CTC[1] (p.Ser830del)

Gene: KANSL1 (KAT8 regulatory NSL complex subunit 1). Cytogenetic location: 17q21.31.
Variant type: Microsatellite.
Coding change: c.2484CTC[1] on transcript NM_015443.4 (MANE Select); one copy of the 3-base unit CTC starting at c.2484.
Protein change: p.Ser830del; deletes serine 830.
Molecular consequence: inframe deletion.
Genome position: GRCh38 VCF-style: chr17-46038589-TGAG-T. GRCh37 (hg19) VCF-style: chr17-44115955-TGAG-T.
Other names: c.2487_2489del (NM_001193466.2); c.2484CTC[1], p.Ser830del (NM_001193465.2, NM_001193466.2, NM_001379198.1); short protein forms S830del.
Identifiers: ClinVar variation 851267 (VCV000851267.10), dbSNP rs1568373517, ClinGen allele CA626336417.